The following is an entry in ClinVar:

ClinVar aggregate classification (germline): Uncertain significance (1 of 4 stars; one submission).

Submission:

GeneDx
Classification: Uncertain significance. Last evaluated: 2018-04-20. Review status: criteria provided, single submitter. Criteria: GeneDx Variant Classification (06012015). Collection method: clinical testing. Allele origin: germline. Affected: yes.
Comment: The V1992L variant in the KAT6A gene has not been reported previously as a pathogenic variant, nor as a benign variant, to our knowledge. The V1992L variant is not observed in large population cohorts (Lek et al., 2016). The V1992L variant is a conservative amino acid substitution, which is not likely to impact secondary protein structure as these residues share similar properties. This substitution occurs at a position that is conserved across species. In silico analysis is inconsistent in its predictions as to whether or not the variant is damaging to the protein structure/function. We interpret V1992L as a variant of uncertain significance.

NM_006766.5(KAT6A):c.5974G>C (p.Val1992Leu)

Gene: KAT6A (lysine acetyltransferase 6A; minus strand). Cytogenetic location: 8p11.21.
Variant type: single nucleotide variant.
Coding change: c.5974G>C on transcript NM_006766.5 (MANE Select); coding-DNA position 5974, G replaced by C.
Protein change: p.Val1992Leu; replaces valine 1992 with leucine.
Molecular consequence: missense variant.
Genome position (GRCh38, 1-based): chr8:41,932,246, C>G on the plus strand (G>C on the coding strand, the complement: KAT6A is on the minus strand). VCF-style: chr8-41932246-C-G. GRCh37 (hg19) VCF-style: chr8-41789764-C-G.
Other names: short protein forms V1992L.
Identifiers: ClinVar variation 452008 (VCV000452008.2), dbSNP rs1050612463, ClinGen allele CA371059901.
Genomic context (GRCh38, chr8:41,932,246, plus strand): 5'-GATTGCAAGTTCATCTTGCTCATCTTCTCATGTAAGGTCCGTTGAGTGACTGCTTGGGCA[C>G]GCCAGCAGCGTTCATGTAGCTGTGATGGGAGGGGCCTGTGTACATCATGTTCCCATGAGG-3'
Protein context (NP_006757.2, residues 1982-2002): SHHSYMNAAG[Val1992Leu]PKQSLNGPYM